The following is an entry in ClinVar:

ClinVar aggregate classification (germline): Likely pathogenic (1 of 4 stars; one submission).

Conditions:
Conotruncal heart malformations (CTHM). Also called: Conotruncal heart malformations, variable. Identifiers: Orphanet 2445, Orphanet 3384, Orphanet 3426, MedGen C1857586, MONDO:0016581, OMIM 217095.
Heart defects, congenital, and other congenital anomalies. Also called: PANCREATIC HYPOPLASIA, CONGENITAL, WITH DIABETES MELLITUS AND CONGENITAL HEART DISEASE; Pancreatic hypoplasia-diabetes-congenital heart disease syndrome. Identifiers: Orphanet 2255, MedGen C2931296, MONDO:0010802, OMIM 600001.
Tetralogy of Fallot (TOF). Identifiers: Orphanet 3303, MedGen C0039685, MONDO:0008542, OMIM 187500, HP:0001636.
Atrioventricular septal defect 5 (AVSD5). Identifiers: MedGen C3280939, MONDO:0013769, OMIM 614474.
Atrial septal defect 9 (ASD9). Identifiers: Orphanet 1478, MedGen C3280943, MONDO:0013770, OMIM 614475.

Submission:

Juno Genomics, Hangzhou Juno Genomics, Inc
Classification: Likely pathogenic for Atrial septal defect 9; Atrioventricular septal defect 5; Heart defects, congenital, and other congenital anomalies; Conotruncal heart malformations; Tetralogy of Fallot. Review status: criteria provided, single submitter. Criteria: ACMG Guidelines, 2015. Collection method: clinical testing. Allele origin: germline.
Comment: Null variant in a gene where loss of function (LOF) is a known mechanism of disease.;Absent from controls (or at extremely low frequency if recessive) in Genome Aggregation Database.

NM_005257.6(GATA6):c.275dup (p.His92fs)

Gene: GATA6 (GATA binding protein 6; plus strand). Cytogenetic location: 18q11.2.
Variant type: Duplication.
Coding change: c.275dup on transcript NM_005257.6 (MANE Select); coding-DNA position 275, one base duplicated (A; older notation c.275dupA).
Protein change: p.His92fs; shifts the reading frame from histidine 92.
Molecular consequence: frameshift variant.
Genome position (GRCh38, 1-based): chr18:22,171,419, A duplicated. VCF-style (leftmost placement, unchanged base first): chr18-22171418-C-CA. GRCh37 (hg19) VCF-style: chr18-19751379-C-CA.
Other names: short protein forms H92fs.
Identifiers: ClinVar variation 5005868 (VCV005005868.2).
Genomic context (GRCh38, chr18:22,171,418, plus strand): 5'-GGACCCCCGGCCCGCTCGCTGCTGCTCAGTTCCTACGCTTCGCATCCCTTCGGGGCTCCC[C>CA]ACGGACCTTCGGCGCCTGGGGTCGCGGGCCCCGGGGGCAACCTGTCGAGCTGGGAGGACT-3'